The following is an entry in ClinVar:

ClinVar aggregate classification (germline): Uncertain significance. Review status: criteria provided, multiple submitters, no conflicts (2 of 4 stars). 2 submissions from 2 submitters: Uncertain significance (2). Last evaluated 2025-03-27.

Conditions:
Inborn genetic diseases. Identifiers: MedGen C0950123, MeSH D030342.

gnomAD v4.1: 22 of 1,576,526 alleles (0.0014%); highest among the groups gnomAD compares: Non-Finnish European, 0.0018%; no homozygotes.

Submissions (2):

Ambry Genetics
Classification: Uncertain significance for Inborn genetic diseases. Last evaluated: 2025-03-27. Review status: criteria provided, single submitter. Criteria: Ambry Variant Classification Scheme 2023. Collection method: clinical testing. Allele origin: germline.

GeneDx
Classification: Uncertain significance. Last evaluated: 2023-10-17. Review status: criteria provided, single submitter. Criteria: GeneDx Variant Classification Process June 2021. Collection method: clinical testing. Allele origin: germline. Affected: yes.
Comment: Not observed at significant frequency in large population cohorts (gnomAD); In silico analysis supports that this missense variant does not alter protein structure/function; Has not been previously published as pathogenic or benign to our knowledge

NM_017433.5(MYO3A):c.4568G>A (p.Arg1523Gln)

Gene: MYO3A (myosin IIIA; plus strand). Cytogenetic location: 10p12.1.
Variant type: single nucleotide variant.
Coding change: c.4568G>A on transcript NM_017433.5 (MANE Select); coding-DNA position 4568, G replaced by A.
Protein change: p.Arg1523Gln; replaces arginine 1523 with glutamine.
Molecular consequence: missense variant.
Genome position (GRCh38, 1-based): chr10:26,201,287, G>A. VCF-style: chr10-26201287-G-A. GRCh37 (hg19) VCF-style: chr10-26490216-G-A.
Other names: short protein forms R1523Q.
Identifiers: ClinVar variation 3366147 (VCV003366147.2).
Genomic context (GRCh38, chr10:26,201,287, plus strand): 5'-AATATTATATAGATCTTTTGAATTCTTCTTTCCTTTAGAAGTCAATCCAAGAAGAAAAAC[G>A]AAGACCAAGGAAAGACAGGTAATTATTACTTCTGGATTTCAATCAGTCATCTTATTCAAA-3'
Protein context (NP_059129.3, residues 1513-1533): LLHKSIQEEK[Arg1523Gln]RPRKDSQGKL